The following is an entry in ClinVar:

ClinVar aggregate classification (germline): Uncertain significance (1 of 4 stars; one submission).

Conditions:
Catecholaminergic polymorphic ventricular tachycardia 1. Also called: VENTRICULAR TACHYCARDIA, CATECHOLAMINERGIC POLYMORPHIC, 1, WITH OR WITHOUT ATRIAL DYSFUNCTION AND/OR DILATED CARDIOMYOPATHY; RYR2-Related Catecholaminergic Polymorphic Ventricular Tachycardia; VENTRICULAR TACHYCARDIA, STRESS-INDUCED POLYMORPHIC 1. Identifiers: Orphanet 3286, MedGen C1631597, MONDO:0011484, OMIM 604772.

Submission:

Labcorp Genetics (formerly Invitae), Labcorp
Classification: Uncertain significance for Catecholaminergic polymorphic ventricular tachycardia 1. Last evaluated: 2022-06-28. Review status: criteria provided, single submitter. Criteria: Invitae Variant Classification Sherloc (09022015). Collection method: clinical testing. Allele origin: germline.
Comment: In summary, the available evidence is currently insufficient to determine the role of this variant in disease. Therefore, it has been classified as a Variant of Uncertain Significance. This variant has not been reported in the literature in individuals affected with CASQ2-related conditions. This variant results in a copy number gain of the genomic region encompassing exon(s) 1-8 of the CASQ2 gene. This region includes the initiator codon of the gene. This copy number gain extends beyond the assayed region for this gene and therefore may encompass additional genes. As the precise location of this event is unknown, it may be in tandem or it may be located elsewhere in the genome.

NC_000001.10:g.(?_116260441)_(116311162_?)dup

Gene: CASQ2 (calsequestrin 2; minus strand). Cytogenetic location: 1p13.1.
Variant type: Duplication.
Identifiers: ClinVar variation 2423984 (VCV002423984.4).